The following is an entry in ClinVar:

NC_012920.1(MT-CYB):m.14783TTAA[1]

Gene: MT-CYB (mitochondrially encoded cytochrome b; plus strand).
Variant type: Microsatellite.
Genome position: chrM-14780-AAATT-A.
Identifiers: ClinVar variation 9686 (VCV000009686.3), dbSNP rs207460005, ClinGen allele CA120624.

ClinVar aggregate classification (germline): Likely pathogenic. Review status: reviewed by expert panel (3 of 4 stars). 2 submissions from 2 submitters: Likely pathogenic (1). 1 of the submissions does not count toward it. Last evaluated 2023-12-11.

Conditions:
Mitochondrial disease. Also called: Mitochondrial disorder; Mitochondrial disorders. Identifiers: Orphanet 68380, MedGen C0751651, MeSH D028361, MONDO:0044970.
Parkinsonism/MELAS overlap syndrome. Identifiers: MedGen C4016600.

Submissions (2):

ClinGen Mitochondrial Disease Nuclear and Mitochondrial  Variant Curation Expert Panel, ClinGen
Classification: Likely pathogenic for Mitochondrial disease. Last evaluated: 2023-12-11. Review status: reviewed by expert panel. Criteria: McCormick et al. (Hum Mutat. 2020). Collection method: curation. Allele origin: germline. Inheritance: Mitochondrial inheritance.
Comment: Clinical features included fine motor incoordination, concentration difficulty, fatigue, periods with regressive behavior, Wolff-Parkinson-White arrhythmia, mild left ventricular hypertrophy, seizures, and cortical blindness. Brain MRI showed diffuse atrophy and lesions consistent with cerebral infarcts in the left and right parietooccipital region. Blood and cerebrospinal fluid lactate levels were elevated. Muscle biopsy electron microscopy showed aggregates of subsarcolemmal mitochondria. The variant was present at 60% heteroplasmy in blood, 60% in hair, 60% in buccal, 60% in fibroblasts, and 95% muscle (PMID: 9894888). As this is the only case reported to date, PS4 could not be applied. Computational predictors are not applicable for this variant type precluding consideration for PP3 or BP4. This variant is absent in the GenBank dataset, Helix dataset, and gnomAD v3.1.2 (PM2_supporting). This variant results in a frame shift from codon 13 onward and is predicted to result in a nonsense stretch of amino acids terminating at an early stop at codon 50 (PVS1_strong). There are no cybrids, single fiber studies, or other functional assays reported on this variant. In summary, this variant meets criteria to be classified as likely pathogenic for primary mitochondrial disease inherited in a mitochondrial manner. This classification was approved by the NICHD/NINDS U24 ClinGen Mitochondrial Disease Variant Curation Expert Panel on December 11, 2023. Mitochondrial DNA-specific ACMG/AMP criteria applied (PMID: 32906214): PM6_supporting, PM2_supporting, PVS1_strong.

OMIM
Classification: Pathogenic for PARKINSONISM/MELAS OVERLAP SYNDROME. Last evaluated: 1999-01-01. Review status: no assertion criteria provided. Collection method: literature only. Allele origin: germline. Not counted in ClinVar's aggregate classification.

Literature cited by the submitters: PubMed 9894888 (cited by OMIM).